The following is an entry in ClinVar:

ClinVar aggregate classification (germline): Benign/Likely benign. Review status: criteria provided, single submitter (1 of 4 stars). 3 submissions from 1 submitter: Benign (2); Likely benign (1). Last evaluated 2018-01-12.

Conditions:
Meacham syndrome. Also called: Meacham Winn Culler syndrome. Identifiers: Orphanet 3097, MedGen C1837026, MONDO:0012164, OMIM 608978.
Wilms tumor 1 (WT1). Also called: Wilms tumor, somatic. Identifiers: Orphanet 654, MedGen CN033288, MONDO:0008679, OMIM 194070.
Nephrotic syndrome, type 4 (NPHS4). Also called: Familial mesangial sclerosis; Nephrotic syndrome, early onset with diffuse mesangial sclerosis. Identifiers: Orphanet 656, MedGen C3151568, MONDO:0009733, OMIM 256370.

Allele frequency attached by ClinVar (database versions not stated): 1000 Genomes Project 0.00439; 1000 Genomes Project 30x 0.00500; TOPMed 0.00505.
gnomAD v4.1: 768 of 233,710 alleles (0.33%); highest among the groups gnomAD compares: African/African-American, 1.6%; 9 homozygotes.

Submissions (3):

Illumina Laboratory Services, Illumina
Classification: Benign for Wilms tumor 1. Last evaluated: 2018-01-12. Review status: criteria provided, single submitter. Criteria: ICSL Variant Classification Criteria 13 December 2019. Collection method: clinical testing. Allele origin: germline.
Comment: This variant was observed in the ICSL laboratory as part of a predisposition screen in an ostensibly healthy population. It had not been previously curated by ICSL or reported in the Human Gene Mutation Database (HGMD: prior to June 1st, 2018), and was therefore a candidate for classification through an automated scoring system. Utilizing variant allele frequency, disease prevalence and penetrance estimates, and inheritance mode, an automated score was calculated to assess if this variant is too frequent to cause the disease. Based on the score and internal cut-off values, a variant classified as benign is not then subjected to further curation. The score for this variant resulted in a classification of benign for this disease.

Illumina Laboratory Services, Illumina
Classification: Benign for Meacham syndrome. Last evaluated: 2018-01-12. Review status: criteria provided, single submitter. Criteria: ICSL Variant Classification Criteria 13 December 2019. Collection method: clinical testing. Allele origin: germline.
Comment: the same text as in the submission from Illumina Laboratory Services, Illumina above.

Illumina Laboratory Services, Illumina
Classification: Likely benign for Nephrotic syndrome, type 4. Last evaluated: 2018-01-12. Review status: criteria provided, single submitter. Criteria: ICSL Variant Classification Criteria 13 December 2019. Collection method: clinical testing. Allele origin: germline.
Comment: This variant was observed in the ICSL laboratory as part of a predisposition screen in an ostensibly healthy population. It had not been previously curated by ICSL or reported in the Human Gene Mutation Database (HGMD: prior to June 1st, 2018), and was therefore a candidate for classification through an automated scoring system. Utilizing variant allele frequency, disease prevalence and penetrance estimates, and inheritance mode, an automated score was calculated to assess if this variant is too frequent to cause the disease. Based on the score and internal cut-off values, a variant classified as likely benign is not then subjected to further curation. The score for this variant resulted in a classification of likely benign for this disease.

NM_024426.6(WT1):c.*864T>A

Gene: WT1 (WT1 transcription factor; minus strand). Cytogenetic location: 11p13.
Variant type: single nucleotide variant.
Coding change: c.*864T>A on transcript NM_024426.6 (MANE Select); 864 bases downstream of the stop codon, T replaced by A.
Molecular consequence: 3 prime UTR variant. On other transcripts: non-coding transcript variant (1).
Genome position (GRCh38, 1-based): chr11:32,388,194, A>T on the plus strand (T>A on the coding strand, the complement: WT1 is on the minus strand). VCF-style: chr11-32388194-A-T. GRCh37 (hg19) VCF-style: chr11-32409740-A-T.
Other names: c.*864T>A (NM_000378.6, NM_001198551.2, NM_001198552.2 and 11 more transcripts).
Identifiers: ClinVar variation 304387 (VCV000304387.6), dbSNP rs5030323, ClinGen allele CA10630754.